The following is an entry in ClinVar:

NM_015175.3(NBEAL2):c.4745G>A (p.Arg1582Gln)

Gene: NBEAL2 (neurobeachin like 2; plus strand). Cytogenetic location: 3p21.31.
Variant type: single nucleotide variant.
Coding change: c.4745G>A on transcript NM_015175.3 (MANE Select); coding-DNA position 4745, G replaced by A.
Protein change: p.Arg1582Gln; replaces arginine 1582 with glutamine.
Molecular consequence: missense variant.
Genome position (GRCh38, 1-based): chr3:47,001,789, G>A. VCF-style: chr3-47001789-G-A. GRCh37 (hg19) VCF-style: chr3-47043279-G-A.
Other names: c.4643G>A, p.Arg1548Gln (NM_001365116.2); c.4745G>A (NM_015175.1); short protein forms R1548Q, R1582Q.
Identifiers: ClinVar variation 2582725 (VCV002582725.3), dbSNP rs569247140, ClinGen allele CA73819251.

ClinVar aggregate classification (germline): Uncertain significance. Review status: criteria provided, multiple submitters, no conflicts (2 of 4 stars). 3 submissions from 3 submitters: Uncertain significance (2). 1 of the submissions does not count toward it. Last evaluated 2025-11-21.

Conditions:
NBEAL2-related disorder. Also called: NBEAL2-related condition.
Inborn genetic diseases. Identifiers: MedGen C0950123, MeSH D030342.
Gray platelet syndrome (GPS). Also called: BLEEDING DISORDER, PLATELET-TYPE, 4. Identifiers: Orphanet 721, MedGen C0272302, MONDO:0007686, OMIM 139090.

Allele frequency attached by ClinVar (database versions not stated): gnomAD 0.00001; gnomAD exomes 0.00001; TOPMed 0.00002.
gnomAD v4.1: 19 of 1,613,766 alleles (0.0012%); highest among the groups gnomAD compares: Admixed American, 0.0033%; no homozygotes.

Submissions (3):

PreventionGenetics, part of Exact Sciences
Classification: Uncertain significance for NBEAL2-related condition. Last evaluated: 2025-11-21. Review status: criteria provided, single submitter. Criteria: ACMG Guidelines, 2015. Collection method: clinical testing. Allele origin: germline.
Comment: The NBEAL2 c.4745G>A variant is predicted to result in the amino acid substitution p.Arg1582Gln. To our knowledge, this variant has not been reported in the literature. This variant is reported in 0.0027% of alleles in individuals of European (Non-Finnish) descent in gnomAD. At this time, the clinical significance of this variant is uncertain due to the absence of conclusive functional and genetic evidence.

Ambry Genetics
Classification: Uncertain significance for Inborn genetic diseases. Last evaluated: 2024-05-01. Review status: criteria provided, single submitter. Criteria: Ambry Variant Classification Scheme 2023. Collection method: clinical testing. Allele origin: germline.

Zotz-Klimas Genetics Lab, MVZ Zotz Klimas
Classification: Uncertain significance for Gray platelet syndrome. Last evaluated: 2023-10-09. Review status: no assertion criteria provided. Collection method: clinical testing. Allele origin: germline. Affected: yes. Not counted in ClinVar's aggregate classification.